The following is an entry in ClinVar:

ClinVar aggregate classification (germline): Pathogenic (1 of 4 stars; one submission).

Submission:

Labcorp Genetics (formerly Invitae), Labcorp
Classification: Pathogenic. Last evaluated: 2024-12-05. Review status: criteria provided, single submitter. Criteria: Invitae Variant Classification Sherloc (09022015). Collection method: clinical testing. Allele origin: germline.
Comment: This sequence change creates a premature translational stop signal (p.Gly325Serfs*4) in the PNLIP gene. It is expected to result in an absent or disrupted protein product. Loss-of-function variants in PNLIP are known to be pathogenic (PMID: 31977950, 35284057). This variant is not present in population databases (gnomAD no frequency). This variant has not been reported in the literature in individuals affected with PNLIP-related conditions. ClinVar contains an entry for this variant (Variation ID: 2002380). For these reasons, this variant has been classified as Pathogenic.

Literature cited by the submitters: PubMed 31977950; PubMed 35284057.

NM_000936.4(PNLIP):c.973_974del (p.Gly325fs)

Gene: PNLIP (pancreatic lipase; plus strand). Cytogenetic location: 10q25.3.
Variant type: Deletion.
Coding change: c.973_974del on transcript NM_000936.4 (MANE Select); coding-DNA positions 973 to 974, 2 bases deleted (GG; older notation c.973_974delGG).
Protein change: p.Gly325fs; shifts the reading frame from glycine 325.
Molecular consequence: frameshift variant.
Genome position (GRCh38, 1-based): chr10:116,559,196-116,559,197, GG deleted; deleting any 2 consecutive bases within chr10:116,559,195-116,559,197 gives the same sequence; the c. name uses the placement nearest the transcript's 3' end. VCF-style (leftmost placement, unchanged base first): chr10-116559194-TGG-T. GRCh37 (hg19) VCF-style: chr10-118318706-TGG-T.
Other names: short protein forms G325fs.
Identifiers: ClinVar variation 2002380 (VCV002002380.4), dbSNP rs1455993955, ClinGen allele CA2519604569.